The following is an entry in ClinVar:

ClinVar aggregate classification (germline): Conflicting classifications of pathogenicity. Review status: criteria provided, conflicting classifications (1 of 4 stars). 6 submissions from 6 submitters: Uncertain significance (5); Likely benign (1). Last evaluated 2026-01-15.

Conditions:
ALG3-congenital disorder of glycosylation. Also called: CONGENITAL DISORDER OF GLYCOSYLATION, TYPE Id; CARBOHYDRATE-DEFICIENT GLYCOPROTEIN SYNDROME, TYPE IV; CDGS, TYPE IV; CDG Id; ALG3-CDG. Identifiers: Orphanet 79321, MedGen C1832736, MONDO:0010998, OMIM 601110.

Allele frequency attached by ClinVar (database versions not stated): gnomAD 0.00068 and 0.00080; TOPMed 0.00083; ESP Exome Variant Server 0.00088; ExAC 0.00122; 1000 Genomes Project 0.00200; 1000 Genomes Project 30x 0.00234.
gnomAD v4.1: 2,263 of 1,613,810 alleles (0.14%); highest among the groups gnomAD compares: East Asian, 0.55%; 3 homozygotes.

Submissions (6):

Labcorp Genetics (formerly Invitae), Labcorp
Classification: Likely benign for ALG3-congenital disorder of glycosylation. Last evaluated: 2026-01-15. Review status: criteria provided, single submitter. Criteria: Invitae Variant Classification Sherloc (09022015). Collection method: clinical testing. Allele origin: germline.

GeneDx
Classification: Uncertain significance. Last evaluated: 2019-05-13. Review status: criteria provided, single submitter. Criteria: GeneDx Variant Classification Process June 2021. Collection method: clinical testing. Allele origin: germline. Affected: yes.
Comment: In silico analysis, which includes protein predictors and evolutionary conservation, supports that this variant does not alter protein structure/function; Has not been previously published in a patient, as pathogenic or benign, to our knowledge; This variant is associated with the following publications: (PMID: 30061496)

CeGaT Center for Human Genetics Tuebingen
Classification: Uncertain significance. Last evaluated: 2018-03-01. Review status: criteria provided, single submitter. Criteria: CeGaT Center For Human Genetics Tuebingen Variant Classification Criteria Version 2. Collection method: clinical testing. Allele origin: germline. Affected: yes. Observed: 1 variant allele.

Baylor Genetics
Classification: Uncertain significance for ALG3-congenital disorder of glycosylation. Last evaluated: 2018-01-18. Review status: criteria provided, single submitter. Criteria: ACMG Guidelines, 2015. Collection method: clinical testing. Allele origin: paternal. Affected: yes.
Comment: This variant was determined to be of uncertain significance according to ACMG Guidelines, 2015 [PMID:25741868].

Illumina Laboratory Services, Illumina
Classification: Uncertain significance for ALG3-congenital disorder of glycosylation. Last evaluated: 2018-01-13. Review status: criteria provided, single submitter. Criteria: ICSL Variant Classification Criteria 13 December 2019. Collection method: clinical testing. Allele origin: germline.

Center for Pediatric Genomic Medicine, Children's Mercy Hospital and Clinics
Classification: Uncertain significance. Last evaluated: 2017-05-08. Review status: criteria provided, single submitter. Criteria: ACMG Guidelines, 2015. Collection method: clinical testing. Allele origin: germline.

NM_005787.6(ALG3):c.1084G>A (p.Val362Ile)

Gene: ALG3 (ALG3 alpha-1,3- mannosyltransferase; minus strand). Cytogenetic location: 3q27.1.
Variant type: single nucleotide variant.
Coding change: c.1084G>A on transcript NM_005787.6 (MANE Select); coding-DNA position 1084, G replaced by A.
Protein change: p.Val362Ile; replaces valine 362 with isoleucine.
Molecular consequence: missense variant. On other transcripts: non-coding transcript variant (2).
Genome position (GRCh38, 1-based): chr3:184,242,883, C>T on the plus strand (G>A on the coding strand, the complement: ALG3 is on the minus strand). VCF-style: chr3-184242883-C-T. GRCh37 (hg19) VCF-style: chr3-183960671-C-T.
Other names: c.940G>A, p.Val314Ile (NM_001006941.2); short protein forms V362I, V314I.
Identifiers: ClinVar variation 344348 (VCV000344348.61), dbSNP rs186946267, ClinGen allele CA2729324.